The following is an entry in ClinVar:

NM_007186.6(CEP250):c.3710C>T (p.Ser1237Phe)

Gene: CEP250 (centrosomal protein 250; plus strand). Cytogenetic location: 20q11.22.
Variant type: single nucleotide variant.
Coding change: c.3710C>T on transcript NM_007186.6 (MANE Select); coding-DNA position 3710, C replaced by T.
Protein change: p.Ser1237Phe; replaces serine 1237 with phenylalanine.
Molecular consequence: missense variant.
Genome position (GRCh38, 1-based): chr20:35,498,649, C>T. VCF-style: chr20-35498649-C-T. GRCh37 (hg19) VCF-style: chr20-34086478-C-T.
Other names: c.1814C>T, p.Ser605Phe (NM_001318219.1); c.3710C>T (NM_007186.3); short protein forms S1237F, S605F.
Identifiers: ClinVar variation 2105572 (VCV002105572.5), dbSNP rs1025005664, ClinGen allele CA314157155.

ClinVar aggregate classification (germline): Uncertain significance. Review status: criteria provided, multiple submitters, no conflicts (2 of 4 stars). 2 submissions from 2 submitters: Uncertain significance (2). Last evaluated 2025-02-25.

Allele frequency attached by ClinVar (database versions not stated): TOPMed below 0.00001; gnomAD 0.00001.
gnomAD v4.1: 2 of 1,608,482 alleles (0.00012%); highest among the groups gnomAD compares: African/African-American, 0.0013%; no homozygotes.

Submissions (2):

Ambry Genetics
Classification: Uncertain significance. Last evaluated: 2025-02-25. Review status: criteria provided, single submitter. Criteria: Ambry Variant Classification Scheme 2023. Collection method: clinical testing. Allele origin: germline.

Labcorp Genetics (formerly Invitae), Labcorp
Classification: Uncertain significance. Last evaluated: 2022-11-01. Review status: criteria provided, single submitter. Criteria: Invitae Variant Classification Sherloc (09022015). Collection method: clinical testing. Allele origin: germline.
Comment: In summary, the available evidence is currently insufficient to determine the role of this variant in disease. Therefore, it has been classified as a Variant of Uncertain Significance. Algorithms developed to predict the effect of missense changes on protein structure and function are either unavailable or do not agree on the potential impact of this missense change (SIFT: "Not Available"; PolyPhen-2: "Probably Damaging"; Align-GVGD: "Not Available"). This variant has not been reported in the literature in individuals affected with CEP250-related conditions. This variant is not present in population databases (gnomAD no frequency). This sequence change replaces serine, which is neutral and polar, with phenylalanine, which is neutral and non-polar, at codon 1237 of the CEP250 protein (p.Ser1237Phe).